The following is an entry in ClinVar:

ClinVar aggregate classification (germline): Pathogenic (1 of 4 stars; one submission).

Conditions:
Sjögren-Larsson syndrome (SLS). Also called: FALDH DEFICIENCY; FATTY ALCOHOL:NAD+ OXIDOREDUCTASE DEFICIENCY; FATTY ALDEHYDE DEHYDROGENASE DEFICIENCY; ICHTHYOSIS, SPASTIC NEUROLOGIC DISORDER, AND OLIGOPHRENIA. Identifiers: Orphanet 816, MedGen C0037231, MONDO:0010031, OMIM 270200.

Submission:

Myriad Genetics, Inc.
Classification: Pathogenic for Sjögren-Larsson syndrome. Last evaluated: 2026-06-28. Review status: criteria provided, single submitter. Criteria: Myriad Autosomal Dominant, Autosomal Recessive and X-Linked Classification Criteria (2023). Collection method: clinical testing. Allele origin: unknown.
Comment: NM_000382.2(ALDH3A2):c.826dupT(S276Ffs*3) is expected to be pathogenic in the context of Sjogren-Larsson syndrome. This variant is predicted to lead to an abnormal or absent protein product due to the creation of a premature termination codon in ALDH3A2, a gene where loss-of-function variants are known to be pathogenic. Please note: this variant was assessed in the context of healthy population screening.

NM_000382.3(ALDH3A2):c.826dup (p.Ser276fs)

Gene: ALDH3A2 (aldehyde dehydrogenase 3 family member A2; plus strand). Cytogenetic location: 17p11.2.
Variant type: Duplication.
Coding change: c.826dup on transcript NM_000382.3 (MANE Select); coding-DNA position 826, one base duplicated (T; older notation c.826dupT).
Protein change: p.Ser276fs; shifts the reading frame from serine 276.
Molecular consequence: frameshift variant.
Genome position (GRCh38, 1-based): chr17:19,661,154, T duplicated. VCF-style (leftmost placement, unchanged base first): chr17-19661153-G-GT. GRCh37 (hg19) VCF-style: chr17-19564466-G-GT.
Other names: c.826dup, p.Ser276fs (NM_001031806.2, NM_001369136.1, NM_001369137.2 and 3 more transcripts); c.247dup, p.Ser83fs (NM_001369148.2); short protein forms S276fs, S83fs.
Identifiers: ClinVar variation 5016086 (VCV005016086.1).
Genomic context (GRCh38, chr17:19,661,153, plus strand): 5'-TGTGACATTTATATACTCCTGTTGTTTTAAATAGGAATTTTATGGAGAAAATATAAAAGA[G>GT]TCTCCTGATTATGAAAGGATCATCAATCTTCGTCATTTTAAGAGGATACTAAGTTTGCTT-3'